The following is an entry in ClinVar:

ClinVar aggregate classification (germline): Likely pathogenic (1 of 4 stars; one submission).

Conditions:
Cardiovascular phenotype. Identifiers: MedGen CN230736.

Submission:

Ambry Genetics
Classification: Likely pathogenic for Cardiovascular phenotype. Last evaluated: 2022-09-30. Review status: criteria provided, single submitter. Criteria: Ambry Variant Classification Scheme 2023. Collection method: clinical testing. Allele origin: germline.
Comment: The c.21443+2T>G intronic variant results from a T to G substitution two nucleotides after coding exon 86 in the TTN gene. Exon 86 is located in the A-band region of the N2-B isoform of the titin protein and is constitutively expressed in TTN transcripts (percent spliced in or PSI 100%). This nucleotide position is highly conserved in available vertebrate species. In silico splice site analysis predicts that this alteration will weaken the native splice donor site and may result in the creation or strengthening of a novel splice donor site. This alteration disrupts the canonical splice site and is expected to cause aberrant splicing, resulting in an abnormal protein or a transcript that is subject to nonsense-mediated mRNA decay. While loss of function variants in TTN are present in 1-3% of the general population, truncating variants (a category that includes canonical splice site variants) in the A-band are the most common cause of dilated cardiomyopathy (DCM) (Herman DS et al. N. Engl. J. Med., 2012 Feb;366:619-28; Roberts AM et al. Sci Transl Med, 2015 Jan;7:270ra6). TTN truncating variants encoded in constitutive exons (PSI >90%) have been found to be significantly associated with DCM regardless of their position in titin (Schafer S et al. Nat. Genet., 2017 01;49:46-53). Based on the majority of available evidence to date, this variant is likely to be pathogenic.

NM_001267550.2(TTN):c.48638+2T>G

Genes: TTN (titin; minus strand), TTN-AS1 (TTN antisense RNA 1; plus strand), LOC126806426 (BRD4-independent group 4 enhancer GRCh37_chr2:179478848-179480047; plus strand). Cytogenetic location: 2q31.2.
Variant type: single nucleotide variant.
Coding change: c.48638+2T>G on transcript NM_001267550.2 (MANE Select); the canonical splice donor site of the intron after coding-DNA position 48638, T replaced by G.
Molecular consequence: splice donor variant.
Genome position (GRCh38, 1-based): chr2:178,615,305, A>C on the plus strand (T>G on the coding strand, the complement: TTN is on the minus strand). VCF-style: chr2-178615305-A-C. GRCh37 (hg19) VCF-style: chr2-179480032-A-C.
Other names: c.21443+2T>G (NM_003319.4); c.22019+2T>G (NM_133437.4); c.21818+2T>G (NM_133432.3); c.40934+2T>G (NM_133378.4); c.43715+2T>G (NM_001256850.1).
Identifiers: ClinVar variation 1786624 (VCV001786624.2), dbSNP rs2470730854, ClinGen allele CA349608717.